The following is an entry in ClinVar:

NM_058216.3(RAD51C):c.101C>T (p.Thr34Ile)

Gene: RAD51C (RAD51 paralog C; plus strand). Cytogenetic location: 17q22.
Variant type: single nucleotide variant.
Coding change: c.101C>T on transcript NM_058216.3 (MANE Select); coding-DNA position 101, C replaced by T.
Protein change: p.Thr34Ile; replaces threonine 34 with isoleucine.
Molecular consequence: missense variant. On other transcripts: non-coding transcript variant (1).
Genome position (GRCh38, 1-based): chr17:58,692,744, C>T. VCF-style: chr17-58692744-C-T. GRCh37 (hg19) VCF-style: chr17-56770105-C-T.
Other names: c.101C>T (NM_058216.1); c.101C>T, p.Thr34Ile (NM_002876.4); short protein forms T34I.
Identifiers: ClinVar variation 933256 (VCV000933256.11), dbSNP rs762230288, ClinGen allele CA8677147.

ClinVar aggregate classification (germline): Uncertain significance. Review status: criteria provided, multiple submitters, no conflicts (2 of 4 stars). 3 submissions from 3 submitters: Uncertain significance (3). Last evaluated 2026-01-11.

Conditions:
Breast-ovarian cancer, familial, susceptibility to, 3. Also called: RAD51C-Related Breast/Ovarian Cancer. Identifiers: Orphanet 145, MedGen C3150659, MONDO:0013253, OMIM 613399.
Fanconi anemia complementation group O. Also called: RAD51C-Related Fanconi Anemia. Identifiers: Orphanet 84, MedGen C3150653, MONDO:0013248, OMIM 613390.
Hereditary cancer-predisposing syndrome. Also called: Tumor predisposition; Hereditary neoplastic syndrome; Hereditary Cancer Syndrome; Neoplastic Syndromes, Hereditary. Identifiers: Orphanet 140162, MedGen C0027672, MeSH D009386, MONDO:0015356.

Allele frequency attached by ClinVar (database versions not stated): gnomAD exomes below 0.00001; ExAC 0.00001.
gnomAD v4.1: 2 of 1,614,266 alleles (0.00012%); highest among the groups gnomAD compares: South Asian, 0.0022%; no homozygotes.

Submissions (3):

Ambry Genetics
Classification: Uncertain significance for Hereditary cancer-predisposing syndrome. Last evaluated: 2026-01-11. Review status: criteria provided, single submitter. Criteria: Ambry Variant Classification Scheme 2023. Collection method: clinical testing. Allele origin: germline.
Comment: The p.T34I variant (also known as c.101C>T), located in coding exon 1 of the RAD51C gene, results from a C to T substitution at nucleotide position 101. The threonine at codon 34 is replaced by isoleucine, an amino acid with similar properties. This amino acid position is conserved. In addition, this alteration is predicted to be tolerated by in silico analysis. Based on the available evidence, the clinical significance of this variant remains unclear.

Labcorp Genetics (formerly Invitae), Labcorp
Classification: Uncertain significance for Fanconi anemia complementation group O. Last evaluated: 2024-11-16. Review status: criteria provided, single submitter. Criteria: Invitae Variant Classification Sherloc (09022015). Collection method: clinical testing. Allele origin: germline.
Comment: This sequence change replaces threonine, which is neutral and polar, with isoleucine, which is neutral and non-polar, at codon 34 of the RAD51C protein (p.Thr34Ile). This variant is not present in population databases (gnomAD no frequency). This variant has not been reported in the literature in individuals affected with RAD51C-related conditions. ClinVar contains an entry for this variant (Variation ID: 933256). Invitae Evidence Modeling of protein sequence and biophysical properties (such as structural, functional, and spatial information, amino acid conservation, physicochemical variation, residue mobility, and thermodynamic stability) indicates that this missense variant is not expected to disrupt RAD51C protein function with a negative predictive value of 80%. In summary, the available evidence is currently insufficient to determine the role of this variant in disease. Therefore, it has been classified as a Variant of Uncertain Significance.

Baylor Genetics
Classification: Uncertain significance for Breast-ovarian cancer, familial, susceptibility to, 3. Last evaluated: 2023-09-21. Review status: criteria provided, single submitter. Criteria: ACMG Guidelines, 2015. Collection method: clinical testing. Allele origin: unknown.